The following is an entry in ClinVar:

ClinVar aggregate classification (germline): Uncertain significance (1 of 4 stars; one submission).

Conditions:
Neuroblastoma, susceptibility to, 3. Also called: ALK-Related Neuroblastic Tumor Susceptibility. Identifiers: Orphanet 635, MedGen C2751681, MONDO:0013083, OMIM 613014.

Submission:

Labcorp Genetics (formerly Invitae), Labcorp
Classification: Uncertain significance for Neuroblastoma, susceptibility to, 3. Last evaluated: 2025-12-24. Review status: criteria provided, single submitter. Criteria: Invitae Variant Classification Sherloc (09022015). Collection method: clinical testing. Allele origin: germline.
Comment: This sequence change replaces cysteine, which is neutral and slightly polar, with tyrosine, which is neutral and polar, at codon 1237 of the ALK protein (p.Cys1237Tyr). This variant is not present in population databases (gnomAD no frequency). This variant has not been reported in the literature in individuals affected with ALK-related conditions. An algorithm developed to predict the effect of missense changes on protein structure and function (PolyPhen-2) suggests that this variant is likely to be disruptive. In summary, the available evidence is currently insufficient to determine the role of this variant in disease. Therefore, it has been classified as a Variant of Uncertain Significance.

NM_004304.5(ALK):c.3710G>A (p.Cys1237Tyr)

Gene: ALK (ALK receptor tyrosine kinase; minus strand). Cytogenetic location: 2p23.2.
Variant type: single nucleotide variant.
Coding change: c.3710G>A on transcript NM_004304.5 (MANE Select); coding-DNA position 3710, G replaced by A.
Protein change: p.Cys1237Tyr; replaces cysteine 1237 with tyrosine.
Molecular consequence: missense variant.
Genome position (GRCh38, 1-based): chr2:29,214,017, C>T on the plus strand (G>A on the coding strand, the complement: ALK is on the minus strand). VCF-style: chr2-29214017-C-T. GRCh37 (hg19) VCF-style: chr2-29436883-C-T.
Other names: c.506G>A, p.Cys169Tyr (NM_001353765.2); short protein forms C1237Y, C169Y.
Identifiers: ClinVar variation 4732324 (VCV004732324.1).